The following is an entry in ClinVar:

NM_001670.3(ARVCF):c.570C>T (p.Pro190=)

Gene: ARVCF (ARVCF delta catenin family member; minus strand). Cytogenetic location: 22q11.21.
Variant type: single nucleotide variant.
Coding change: c.570C>T on transcript NM_001670.3 (MANE Select); coding-DNA position 570, C replaced by T.
Protein change: p.Pro190=; no amino-acid change (proline 190 retained).
Molecular consequence: synonymous variant.
Genome position (GRCh38, 1-based): chr22:19,981,537, G>A on the plus strand (C>T on the coding strand, the complement: ARVCF is on the minus strand). VCF-style: chr22-19981537-G-A. GRCh37 (hg19) VCF-style: chr22-19969060-G-A.
Other names: c.381C>T, p.Pro127= (NM_001410839.1, NM_001438683.1, NM_001438694.1); c.570C>T, p.Pro190= (NM_001438684.1, NM_001438685.1, NM_001438687.1 and 2 more transcripts).
Identifiers: ClinVar variation 4820901 (VCV004820901.4).

ClinVar aggregate classification (germline): Likely benign (1 of 4 stars; one submission).

gnomAD v4.1: 72 of 1,582,850 alleles (0.0045%); highest among the groups gnomAD compares: Non-Finnish European, 0.0054%; no homozygotes.

Submission:

CeGaT Center for Human Genetics Tuebingen
Classification: Likely benign. Last evaluated: 2026-02-01. Review status: criteria provided, single submitter. Criteria: CeGaT Center For Human Genetics Tuebingen Variant Classification Criteria Version 2. Collection method: clinical testing. Allele origin: germline. Affected: yes. Observed: 1 variant allele.
Comment: ARVCF: BP4, BP7